The following is an entry in ClinVar:

NM_000587.4(C7):c.1883-2A>G

Gene: C7 (complement C7; plus strand). Cytogenetic location: 5p13.1.
Variant type: single nucleotide variant.
Coding change: c.1883-2A>G on transcript NM_000587.4 (MANE Select); the canonical splice acceptor site of the intron before coding-DNA position 1883, A replaced by G.
Molecular consequence: splice acceptor variant.
Genome position (GRCh38, 1-based): chr5:40,972,401, A>G. VCF-style: chr5-40972401-A-G. GRCh37 (hg19) VCF-style: chr5-40972503-A-G.
Identifiers: ClinVar variation 1502451 (VCV001502451.6), dbSNP rs113086994, ClinGen allele CA117233695.
Genomic context (GRCh38, chr5:40,972,401, plus strand): 5'-TTTTTTAAAAAGATGGTTTAGGAGAGCAACGACCCTTATATTTTGCTCTCTTTTATCTTT[A>G]GAAATTGCCTGTGTTCTACCTGTACTGATGGATGGCATACAGAGTCACCCCCAAAAACCT-3'

ClinVar aggregate classification (germline): Likely pathogenic (1 of 4 stars; one submission).

Submission:

Labcorp Genetics (formerly Invitae), Labcorp
Classification: Likely pathogenic. Last evaluated: 2021-10-28. Review status: criteria provided, single submitter. Criteria: Invitae Variant Classification Sherloc (09022015). Collection method: clinical testing. Allele origin: germline.
Comment: This sequence change affects an acceptor splice site in intron 14 of the C7 gene. It is expected to disrupt RNA splicing. Variants that disrupt the donor or acceptor splice site typically lead to a loss of protein function (PMID: 16199547), and loss-of-function variants in C7 are known to be pathogenic (PMID: 9856499, 17407100). This variant is not present in population databases (gnomAD no frequency). This variant has not been reported in the literature in individuals affected with C7-related conditions. Algorithms developed to predict the effect of sequence changes on RNA splicing suggest that this variant may disrupt the consensus splice site. In summary, the currently available evidence indicates that the variant is pathogenic, but additional data are needed to prove that conclusively. Therefore, this variant has been classified as Likely Pathogenic.

Literature cited by the submitters: PubMed 16199547; PubMed 9856499; PubMed 17407100.